The following is an entry in ClinVar:

ClinVar aggregate classification (germline): Uncertain significance. Review status: criteria provided, multiple submitters, no conflicts (2 of 4 stars). 2 submissions from 2 submitters: Uncertain significance (2). Last evaluated 2025-10-15.

Submissions (2):

Labcorp Genetics (formerly Invitae), Labcorp
Classification: Uncertain significance. Last evaluated: 2025-10-15. Review status: criteria provided, single submitter. Criteria: Invitae Variant Classification Sherloc (09022015). Collection method: clinical testing. Allele origin: germline.
Comment: This variant, c.246_248del, results in the deletion of 1 amino acid(s) of the UROD protein (p.Ile83del), but otherwise preserves the integrity of the reading frame. This variant is present in population databases (rs763083464, gnomAD 0.003%). This variant has not been reported in the literature in individuals affected with UROD-related conditions. Experimental studies and prediction algorithms are not available or were not evaluated, and the functional significance of this variant is currently unknown. In summary, the available evidence is currently insufficient to determine the role of this variant in disease. Therefore, it has been classified as a Variant of Uncertain Significance.

Mendelics
Classification: Uncertain significance. Last evaluated: 2022-05-04. Review status: criteria provided, single submitter. Criteria: Mendelics Assertion Criteria 2019. Collection method: clinical testing. Allele origin: germline.

NM_000374.5(UROD):c.243CAT[1] (p.Ile83del)

Gene: UROD (uroporphyrinogen decarboxylase; plus strand). Cytogenetic location: 1p34.1.
Variant type: Microsatellite.
Coding change: c.243CAT[1] on transcript NM_000374.5 (MANE Select); one copy of the 3-base unit CAT starting at c.243; the reference has two copies in a row; one copy, 3 bases deleted.
Protein change: p.Ile83del; deletes isoleucine 83.
Molecular consequence: inframe deletion. On other transcripts: non-coding transcript variant (3).
Genome position (GRCh38, 1-based): chr1:45,013,324-45,013,326, CAT deleted; deleting any 3 consecutive bases within chr1:45,013,321-45,013,326 gives the same sequence; the position shown is the placement nearest the transcript's 3' end. VCF-style (leftmost placement, unchanged base first): chr1-45013320-CCAT-C. GRCh37 (hg19) VCF-style: chr1-45478992-CCAT-C.
Other names: short protein forms I83del.
Identifiers: ClinVar variation 1685201 (VCV001685201.6), dbSNP rs763083464, ClinGen allele CA825179.